The following is an entry in ClinVar:

NM_004168.4(SDHA):c.801G>A (p.Thr267=)

Gene: SDHA (succinate dehydrogenase complex flavoprotein subunit A; plus strand). Cytogenetic location: 5p15.33.
Variant type: single nucleotide variant.
Coding change: c.801G>A on transcript NM_004168.4 (MANE Select); coding-DNA position 801, G replaced by A.
Protein change: p.Thr267=; no amino-acid change (threonine 267 retained).
Molecular consequence: synonymous variant.
Genome position (GRCh38, 1-based): chr5:230,906, G>A. VCF-style: chr5-230906-G-A. GRCh37 (hg19) VCF-style: chr5-231021-G-A.
Other names: c.657G>A, p.Thr219= (NM_001294332.2); c.801G>A, p.Thr267= (NM_001330758.2).
Identifiers: ClinVar variation 417228 (VCV000417228.21), dbSNP rs543630901, ClinGen allele CA3172998.

ClinVar aggregate classification (germline): Benign/Likely benign. Review status: criteria provided, multiple submitters, no conflicts (2 of 4 stars). 7 submissions from 7 submitters: Benign (1); Likely benign (6). Last evaluated 2026-09-23.

Conditions:
SDHA-related disorder. Also called: SDHA-related condition; SDHA-related disorders.
Pheochromocytoma/paraganglioma syndrome 5. Also called: SDHA-Related Hereditary Paraganglioma-Pheochromocytoma Syndrome; Paragangliomas 5. Identifiers: Orphanet 29072, MedGen C3279992, MONDO:0013602, OMIM 614165.
Mitochondrial complex II deficiency, nuclear type 1. Also called: SUCCINATE CoQ REDUCTASE DEFICIENCY. Identifiers: Orphanet 3208, MedGen C5700310, MONDO:0100294, OMIM 252011.
Hereditary cancer-predisposing syndrome. Also called: Hereditary Cancer Syndrome; Tumor predisposition; Hereditary neoplastic syndrome; Neoplastic Syndromes, Hereditary. Identifiers: Orphanet 140162, MedGen C0027672, MeSH D009386, MONDO:0015356.

Allele frequency attached by ClinVar (database versions not stated): gnomAD exomes 0.00002; ExAC 0.00003; gnomAD 0.00003; TOPMed 0.00003.
gnomAD v4.1: 93 of 1,613,990 alleles (0.0058%); highest among the groups gnomAD compares: Middle Eastern, 0.016%; no homozygotes.

Submissions (7):

PreventionGenetics, part of Exact Sciences
Classification: Likely benign for SDHA-related condition. Last evaluated: 2026-09-23. Review status: criteria provided, single submitter. Criteria: ACMG Guidelines, 2015. Collection method: clinical testing. Allele origin: germline.
Comment: This variant is classified as likely benign based on ACMG/AMP sequence variant interpretation guidelines (Richards et al. 2015 PMID: 25741868, with internal and published modifications).

Labcorp Genetics (formerly Invitae), Labcorp
Classification: Likely benign for Pheochromocytoma/paraganglioma syndrome 5; Mitochondrial complex II deficiency, nuclear type 1. Last evaluated: 2026-01-26. Review status: criteria provided, single submitter. Criteria: Invitae Variant Classification Sherloc (09022015). Collection method: clinical testing. Allele origin: germline.

Myriad Genetics, Inc.
Classification: Benign for Pheochromocytoma/paraganglioma syndrome 5. Last evaluated: 2025-03-03. Review status: criteria provided, single submitter. Criteria: Myriad Autosomal Dominant, Autosomal Recessive and X-Linked Classification Criteria (2023). Collection method: clinical testing. Allele origin: unknown.
Comment: This variant is considered benign. This variant is a silent/synonymous amino acid change and it is not expected to impact splicing.

Blueprint Genetics
Classification: Likely benign. Last evaluated: 2024-04-11. Review status: criteria provided, single submitter. Criteria: ACMG Guidelines, 2015. Collection method: clinical testing. Allele origin: germline.

Quest Diagnostics Nichols Institute San Juan Capistrano
Classification: Likely benign. Last evaluated: 2023-01-11. Review status: criteria provided, single submitter. Criteria: Quest Diagnostics criteria. Collection method: clinical testing. Allele origin: unknown.

GeneDx
Classification: Likely benign. Last evaluated: 2021-04-22. Review status: criteria provided, single submitter. Criteria: GeneDx Variant Classification Process June 2021. Collection method: clinical testing. Allele origin: germline. Affected: yes.

Ambry Genetics
Classification: Likely benign for Hereditary cancer-predisposing syndrome. Last evaluated: 2015-08-14. Review status: criteria provided, single submitter. Criteria: Ambry Variant Classification Scheme 2023. Collection method: clinical testing. Allele origin: germline.

Literature cited by the submitters: PubMed 2674654 (cited by Quest Diagnostics Nichols Institute San Juan Capistrano).